The following is an entry in ClinVar:

ClinVar aggregate classification (germline): Likely benign (1 of 4 stars; one submission).

Allele frequency attached by ClinVar (database versions not stated): gnomAD exomes 0.00001; ExAC 0.00012.
gnomAD v4.1: 10 of 1,532,928 alleles (0.00065%); highest among the groups gnomAD compares: Middle Eastern, 0.018%; no homozygotes.

Submission:

CeGaT Center for Human Genetics Tuebingen
Classification: Likely benign. Last evaluated: 2024-04-01. Review status: criteria provided, single submitter. Criteria: CeGaT Center For Human Genetics Tuebingen Variant Classification Criteria Version 2. Collection method: clinical testing. Allele origin: germline. Affected: yes. Observed: 2 variant alleles.
Comment: LMNA: BP4, BP7

NM_170707.4(LMNA):c.*694A>G

Gene: LMNA (lamin A/C; plus strand). Cytogenetic location: 1q22.
Variant type: single nucleotide variant.
Coding change: c.*694A>G on transcript NM_170707.4 (MANE Select); 694 bases downstream of the stop codon, A replaced by G.
Molecular consequence: 3 prime UTR variant. On other transcripts: synonymous variant (4).
Genome position (GRCh38, 1-based): chr1:156,139,800, A>G. VCF-style: chr1-156139800-A-G. GRCh37 (hg19) VCF-style: chr1-156109591-A-G.
Other names: c.1686A>G, p.Glu562= (NM_001257374.3); c.*694A>G (NM_001282626.2, NM_001406983.1, NM_001406986.1 and 12 more transcripts); c.2022A>G, p.Glu674= (NM_001406985.1); c.1464A>G, p.Glu488= (NM_001406990.1); c.1398A>G, p.Glu466= (NM_001406994.1).
Identifiers: ClinVar variation 2672362 (VCV002672362.23), dbSNP rs767516603, ClinGen allele CA054116.